The following is an entry in ClinVar:

ClinVar aggregate classification (germline): Pathogenic (1 of 4 stars; one submission).

Conditions:
L-2-hydroxyglutaric aciduria (L2HGA). Identifiers: Orphanet 79314, MedGen C1855995, MONDO:0009370, OMIM 236792, HP:0040144.

Submission:

Labcorp Genetics (formerly Invitae), Labcorp
Classification: Pathogenic for L-2-hydroxyglutaric aciduria. Last evaluated: 2022-01-27. Review status: criteria provided, single submitter. Criteria: Invitae Variant Classification Sherloc (09022015). Collection method: clinical testing. Allele origin: germline.
Comment: For these reasons, this variant has been classified as Pathogenic. A similar copy number variant has been observed in individual(s) with L-2-hydroxyglutaric aciduria (PMID: 20052767). This variant is a gross deletion of the genomic region encompassing exon(s) 5 of the L2HGDH gene. This deletion is out-of-frame, and is expected to create a premature termination codon and result in an absent or disrupted protein product. Loss-of-function variants in L2HGDH are known to be pathogenic (PMID: 16134148, 20052767).

Literature cited by the submitters: PubMed 20052767; PubMed 16134148.

NC_000014.8:g.(?_50750569)_(50750771_?)del

Gene: L2HGDH (L-2-hydroxyglutarate dehydrogenase; minus strand). Cytogenetic location: 14q21.3.
Variant type: Deletion.
Identifiers: ClinVar variation 2426898 (VCV002426898.4).